The following is an entry in ClinVar:

ClinVar aggregate classification (germline): Uncertain significance. Review status: reviewed by expert panel (3 of 4 stars). 3 submissions from 3 submitters: Uncertain significance (1). 2 of the submissions do not count toward it. Last evaluated 2026-07-20.

Conditions:
Meckel-Gruber syndrome. Also called: Dysencephalia splachnocystica; DYSENCEPHALIA SPLANCHNOCYSTICA; GRUBER SYNDROME. Identifiers: Orphanet 564, MedGen C0265215, MONDO:0018921.
Nephronophthisis. Also called: Juvenile Nephronophthisis. Identifiers: Orphanet 655, MedGen C0687120, MONDO:0019005, HP:0000090.
Joubert syndrome. Also called: JOUBERT-BOLTSHAUSER SYNDROME; Familial aplasia of the vermis. Identifiers: Orphanet 475, MedGen C5979921, MONDO:0018772.
CEP290-related ciliopathy. Also called: CEP290 ciliopathy. Identifiers: MedGen CN305601, MONDO:0100451.
CEP290-related disorder. Also called: CEP290-related disorders; CEP290-related condition. Identifiers: MedGen CN239314.

Allele frequency attached by ClinVar (database versions not stated): ExAC 0.00005; gnomAD 0.00003; ESP Exome Variant Server 0.00009.
gnomAD v4.1: 43 of 1,576,798 alleles (0.0027%); highest among the groups gnomAD compares: Middle Eastern, 0.017%; no homozygotes.

Submissions (3):

ClinGen Leber Congenital Amaurosis/early Onset Retinal Dystrophy Variant Curation Expert Panel, ClinGen
Classification: Uncertain significance for CEP290-related ciliopathy. Last evaluated: 2026-07-20. Review status: reviewed by expert panel. Criteria: ClinGen LCAeoRD ACMG Specifications CEP290 V1.0.0. Collection method: curation. Allele origin: germline. Inheritance: Autosomal recessive inheritance.
Comment: NM_025114.4(CEP290):c.1664A>T (p.Lys555Ile) is a missense variant that replaces lysine with isoleucine at amino acid 555. This variant is present in gnomAD v4.1.1 at a total allele frequency of 0.00002727, with 43 alleles / 1,576,798 total alleles, which is lower than the ClinGen LCA/eoRD VCEP PM2_Supporting threshold of <0.0006 (PM2_Supporting). This variant has been reported in at least 2 probands with early-onset severe retinal dystrophy, one of whom harbored the variant in the compound heterozygous state, however, the proband was not counted for PM3 because the NM_025114.4(CEP290):c.7394_7395del (p.Glu2465fs) variant confirmed in trans has been classified as likely benign (PMID: 34196655). The second proband also harbored the variant in the compound heterozygous state but was not counted for PM3 because the NM_025114.4(CEP290):c.1092T>G (p.Ile364Met) variant suspected in trans has been classified as a VUS (PMID: 31877679). The computational predictor CADD gives a PHRED score of 26.9, which is above the ClinGen LCA/eoRD VCEP threshold of ≥25.3 and predicts a damaging effect on CEP290 protein function (PP3). In addition, the splicing impact predictor SpliceAI gives a delta score of 0.01 for donor gain, which is below the ClinGen LCA/eoRD VCEP recommended threshold of <0.1 and does not predict an impact on splicing. In summary, this variant meets the criteria to be classified as a Variant of Uncertain Significance for CEP290-related ciliopathy based on the ACMG/AMP criteria applied, as specified by the ClinGen LCA/eoRD VCEP: PM2_Supporting and PP3. (LCA/eoRD VCEP Specifications for CEP290 Version 1.0.0)

Labcorp Genetics (formerly Invitae), Labcorp
Classification: Uncertain significance for Joubert syndrome; Meckel-Gruber syndrome; Nephronophthisis. Last evaluated: 2022-09-27. Review status: criteria provided, single submitter. Criteria: Invitae Variant Classification Sherloc (09022015). Collection method: clinical testing. Allele origin: germline. Not counted in ClinVar's aggregate classification.
Comment: This sequence change replaces lysine, which is basic and polar, with isoleucine, which is neutral and non-polar, at codon 555 of the CEP290 protein (p.Lys555Ile). This variant is present in population databases (rs369231584, gnomAD 0.01%). This missense change has been observed in individual(s) with clinical features of leber congenital amaurosis (PMID: 34196655). Advanced modeling of protein sequence and biophysical properties (such as structural, functional, and spatial information, amino acid conservation, physicochemical variation, residue mobility, and thermodynamic stability) performed at Invitae indicates that this missense variant is not expected to disrupt CEP290 protein function. In summary, the available evidence is currently insufficient to determine the role of this variant in disease. Therefore, it has been classified as a Variant of Uncertain Significance.

PreventionGenetics, part of Exact Sciences
Classification: Uncertain significance for CEP290-related condition. Last evaluated: 2024-09-25. Review status: no assertion criteria provided. Collection method: clinical testing. Allele origin: germline. Not counted in ClinVar's aggregate classification.
Comment: The CEP290 c.1664A>T variant is predicted to result in the amino acid substitution p.Lys555Ile. This variant has been reported along with a second CEP290 variant in two patients with retinitis pigmentosa (Karali et al. 2020. PubMed ID: 31877679; Testa et al. 2021. PubMed ID: 34196655). This variant is reported in 0.0086% of alleles in individuals of European (Non-Finnish) descent in gnomAD. At this time, the clinical significance of this variant is uncertain due to the absence of conclusive functional and genetic evidence.

Literature cited by the submitters: PubMed 34196655 (cited by Labcorp Genetics (formerly Invitae), Labcorp).

NM_025114.4(CEP290):c.1664A>T (p.Lys555Ile)

Gene: CEP290 (centrosomal protein 290; minus strand). Cytogenetic location: 12q21.32.
Variant type: single nucleotide variant.
Coding change: c.1664A>T on transcript NM_025114.4 (MANE Select); coding-DNA position 1664, A replaced by T.
Protein change: p.Lys555Ile; replaces lysine 555 with isoleucine.
Molecular consequence: missense variant.
Genome position (GRCh38, 1-based): chr12:88,118,530, T>A on the plus strand (A>T on the coding strand, the complement: CEP290 is on the minus strand). VCF-style: chr12-88118530-T-A. GRCh37 (hg19) VCF-style: chr12-88512307-T-A.
Other names: NM_025114.4(CEP290):c.1664A>T; p.Lys555Ile; c.1664A>T (NM_025114.3); short protein forms K555I.
Identifiers: ClinVar variation 2177309 (VCV002177309.3), dbSNP rs369231584, ClinGen allele CA6712496.